The following is an entry in ClinVar:

ClinVar aggregate classification (germline): Uncertain significance. Review status: criteria provided, multiple submitters, no conflicts (2 of 4 stars). 2 submissions from 2 submitters: Uncertain significance (2). Last evaluated 2025-05-12.

Conditions:
Hereditary nonpolyposis colorectal neoplasms. Identifiers: MedGen C0009405, MeSH D003123.
Hereditary cancer-predisposing syndrome. Also called: Hereditary neoplastic syndrome; Neoplastic Syndromes, Hereditary; Tumor predisposition; Hereditary Cancer Syndrome. Identifiers: Orphanet 140162, MedGen C0027672, MeSH D009386, MONDO:0015356.

Allele frequency attached by ClinVar (database versions not stated): gnomAD exomes below 0.00001.

Submissions (2):

Ambry Genetics
Classification: Uncertain significance for Hereditary cancer-predisposing syndrome. Last evaluated: 2025-05-12. Review status: criteria provided, single submitter. Criteria: Ambry Variant Classification Scheme 2023. Collection method: clinical testing. Allele origin: germline.
Comment: The p.T584S variant (also known as c.1751C>G), located in coding exon 4 of the MSH6 gene, results from a C to G substitution at nucleotide position 1751. The threonine at codon 584 is replaced by serine, an amino acid with similar properties. This amino acid position is highly conserved in available vertebrate species. In addition, this alteration is predicted to be deleterious by in silico analysis. Based on the available evidence, the clinical significance of this variant remains unclear.

Labcorp Genetics (formerly Invitae), Labcorp
Classification: Uncertain significance for Hereditary nonpolyposis colorectal neoplasms. Last evaluated: 2023-01-07. Review status: criteria provided, single submitter. Criteria: Invitae Variant Classification Sherloc (09022015). Collection method: clinical testing. Allele origin: germline.
Comment: ClinVar contains an entry for this variant (Variation ID: 834778). In summary, the available evidence is currently insufficient to determine the role of this variant in disease. Therefore, it has been classified as a Variant of Uncertain Significance. Algorithms developed to predict the effect of missense changes on protein structure and function (SIFT, PolyPhen-2, Align-GVGD) all suggest that this variant is likely to be disruptive. This variant has not been reported in the literature in individuals affected with MSH6-related conditions. This variant is not present in population databases (gnomAD no frequency). This sequence change replaces threonine, which is neutral and polar, with serine, which is neutral and polar, at codon 584 of the MSH6 protein (p.Thr584Ser).

NM_000179.3(MSH6):c.1751C>G (p.Thr584Ser)

Gene: MSH6 (mutS homolog 6; plus strand). Cytogenetic location: 2p16.3.
Variant type: single nucleotide variant.
Coding change: c.1751C>G on transcript NM_000179.3 (MANE Select); coding-DNA position 1751, C replaced by G.
Protein change: p.Thr584Ser; replaces threonine 584 with serine.
Molecular consequence: missense variant.
Genome position (GRCh38, 1-based): chr2:47,799,734, C>G. VCF-style: chr2-47799734-C-G. GRCh37 (hg19) VCF-style: chr2-48026873-C-G.
Other names: c.1361C>G, p.Thr454Ser (NM_001281492.2); c.845C>G, p.Thr282Ser (NM_001281493.2, NM_001281494.2); short protein forms T282S, T454S, T584S.
Identifiers: ClinVar variation 834778 (VCV000834778.13), dbSNP rs1572724260, ClinGen allele CA346748965.